The following is an entry in ClinVar:

NM_144670.6(A2ML1):c.3896C>T (p.Thr1299Met)

Gene: A2ML1 (alpha-2-macroglobulin like 1; plus strand). Cytogenetic location: 12p13.31.
Variant type: single nucleotide variant.
Coding change: c.3896C>T on transcript NM_144670.6 (MANE Select); coding-DNA position 3896, C replaced by T.
Protein change: p.Thr1299Met; replaces threonine 1299 with methionine.
Molecular consequence: missense variant.
Genome position (GRCh38, 1-based): chr12:8,868,020, C>T. VCF-style: chr12-8868020-C-T. GRCh37 (hg19) VCF-style: chr12-9020616-C-T.
Other names: c.2423C>T, p.Thr808Met (NM_001282424.3); short protein forms T808M, T1299M.
Identifiers: ClinVar variation 3099905 (VCV003099905.2), dbSNP rs372660550, ClinGen allele CA232705307.

ClinVar aggregate classification (germline): Uncertain significance (1 of 4 stars; one submission).

Allele frequency attached by ClinVar (database versions not stated): gnomAD 0.00001; TOPMed 0.00002; ESP Exome Variant Server 0.00008.
gnomAD v4.1: 18 of 1,614,124 alleles (0.0011%); highest among the groups gnomAD compares: Middle Eastern, 0.016%; no homozygotes.

Submission:

Ambry Genetics
Classification: Uncertain significance. Last evaluated: 2024-03-19. Review status: criteria provided, single submitter. Criteria: Ambry Variant Classification Scheme 2023. Collection method: clinical testing. Allele origin: germline.
Comment: The p.T1299M variant (also known as c.3896C>T), located in coding exon 30 of the A2ML1 gene, results from a C to T substitution at nucleotide position 3896. The threonine at codon 1299 is replaced by methionine, an amino acid with similar properties. This amino acid position is conserved. In addition, this alteration is predicted to be tolerated by in silico analysis. Based on the available evidence, the clinical significance of this alteration remains unclear.